The following is an entry in ClinVar:

ClinVar aggregate classification (germline): Uncertain significance (1 of 4 stars; one submission).

Conditions:
Paroxysmal nonkinesigenic dyskinesia. Also called: Paroxysmal non-kinesigenic dyskinesia. Identifiers: Orphanet 98810, MedGen C1869117, MONDO:0700088.

gnomAD v4.1: 1 of 1,614,044 alleles (0.000062%); highest among the groups gnomAD compares: Admixed American, 0.0017%; no homozygotes.

Submission:

Labcorp Genetics (formerly Invitae), Labcorp
Classification: Uncertain significance for Paroxysmal nonkinesigenic dyskinesia. Last evaluated: 2025-01-27. Review status: criteria provided, single submitter. Criteria: Invitae Variant Classification Sherloc (09022015). Collection method: clinical testing. Allele origin: germline.
Comment: This sequence change replaces leucine, which is neutral and non-polar, with valine, which is neutral and non-polar, at codon 343 of the PNKD protein (p.Leu343Val). This variant is present in population databases (rs769701635, gnomAD 0.003%). This variant has not been reported in the literature in individuals affected with PNKD-related conditions. Invitae Evidence Modeling of protein sequence and biophysical properties (such as structural, functional, and spatial information, amino acid conservation, physicochemical variation, residue mobility, and thermodynamic stability) has been performed for this missense variant. However, the output from this modeling did not meet the statistical confidence thresholds required to predict the impact of this variant on PNKD protein function. In summary, the available evidence is currently insufficient to determine the role of this variant in disease. Therefore, it has been classified as a Variant of Uncertain Significance.

NM_015488.5(PNKD):c.1027C>G (p.Leu343Val)

Genes: CATIP-AS2 (CATIP antisense RNA 2; minus strand), PNKD (PNKD metallo-beta-lactamase domain containing; plus strand). Cytogenetic location: 2q35.
Variant type: single nucleotide variant.
Coding change: c.1027C>G on transcript NM_015488.5 (MANE Select); coding-DNA position 1027, C replaced by G.
Protein change: p.Leu343Val; replaces leucine 343 with valine.
Molecular consequence: missense variant.
Genome position (GRCh38, 1-based): chr2:218,344,850, C>G. VCF-style: chr2-218344850-C-G. GRCh37 (hg19) VCF-style: chr2-219209573-C-G.
Other names: c.955C>G, p.Leu319Val (NM_022572.5); short protein forms L343V, L319V.
Identifiers: ClinVar variation 3719827 (VCV003719827.2).